The following is an entry in ClinVar:

NM_017436.7(A4GALT):c.516C>T (p.Pro172=)

Gene: A4GALT (alpha 1,4-galactosyltransferase (P1PK blood group); minus strand). Cytogenetic location: 22q13.2.
Variant type: single nucleotide variant.
Coding change: c.516C>T on transcript NM_017436.7 (MANE Select); coding-DNA position 516, C replaced by T.
Protein change: p.Pro172=; no amino-acid change (proline 172 retained).
Molecular consequence: synonymous variant.
Genome position (GRCh38, 1-based): chr22:42,693,436, G>A on the plus strand (C>T on the coding strand, the complement: A4GALT is on the minus strand). VCF-style: chr22-42693436-G-A. GRCh37 (hg19) VCF-style: chr22-43089442-G-A.
Other names: c.516C>T, p.Pro172= (NM_001318038.3).
Identifiers: ClinVar variation 3046368 (VCV003046368.4), dbSNP rs576019459, ClinGen allele CA324732328.

ClinVar aggregate classification (germline): Likely benign. Review status: criteria provided, multiple submitters, no conflicts (2 of 4 stars). 3 submissions from 3 submitters: Likely benign (2). 1 of the submissions does not count toward it. Last evaluated 2025-05-12.

Conditions:
A4GALT-related disorder. Also called: A4GALT-related condition.

Allele frequency attached by ClinVar (database versions not stated): gnomAD exomes 0.00003.
gnomAD v4.1: 46 of 1,613,190 alleles (0.0029%); highest among the groups gnomAD compares: African/African-American, 0.004%; no homozygotes.

Submissions (3):

Labcorp Genetics (formerly Invitae), Labcorp
Classification: Likely benign. Last evaluated: 2025-05-12. Review status: criteria provided, single submitter. Criteria: Invitae Variant Classification Sherloc (09022015). Collection method: clinical testing. Allele origin: germline.

Blueprint Genetics
Classification: Likely benign. Last evaluated: 2023-01-13. Review status: criteria provided, single submitter. Criteria: ACMG Guidelines, 2015. Collection method: clinical testing. Allele origin: germline.

PreventionGenetics, part of Exact Sciences
Classification: Likely benign for A4GALT-related condition. Last evaluated: 2019-02-28. Review status: no assertion criteria provided. Collection method: clinical testing. Allele origin: germline. Not counted in ClinVar's aggregate classification.
Comment: This variant is classified as likely benign based on ACMG/AMP sequence variant interpretation guidelines (Richards et al. 2015 PMID: 25741868, with internal and published modifications).